The following is an entry in ClinVar:

NM_152383.5(DIS3L2):c.1660-3del

Gene: DIS3L2 (DIS3 like 3'-5' exoribonuclease 2; plus strand). Cytogenetic location: 2q37.1.
Variant type: Deletion.
Coding change: c.1660-3del on transcript NM_152383.5 (MANE Select); 3 bases into the intron before coding-DNA position 1660, one base deleted (C; older notation c.1660-3delC).
Molecular consequence: intron variant.
Genome position (GRCh38, 1-based): chr2:232,300,037, C deleted. VCF-style (leftmost placement, unchanged base first): chr2-232300036-TC-T. GRCh37 (hg19) VCF-style: chr2-233164746-TC-T.
Other names: c.1581+36675del (NM_001257281.2).
Identifiers: ClinVar variation 1351296 (VCV001351296.6), dbSNP rs2106321154, ClinGen allele CA2573135561.

ClinVar aggregate classification (germline): Uncertain significance (1 of 4 stars; one submission).

Conditions:
Perlman syndrome (PRLMNS). Identifiers: Orphanet 2849, MedGen C0796113, MONDO:0009965, OMIM 267000.

Submission:

Labcorp Genetics (formerly Invitae), Labcorp
Classification: Uncertain significance for Perlman syndrome. Last evaluated: 2020-11-25. Review status: criteria provided, single submitter. Criteria: Invitae Variant Classification Sherloc (09022015). Collection method: clinical testing. Allele origin: germline.
Comment: In summary, the available evidence is currently insufficient to determine the role of this variant in disease. Therefore, it has been classified as a Variant of Uncertain Significance. Nucleotide substitutions within the consensus splice site are a relatively common cause of aberrant splicing (PMID: 17576681, 9536098). Algorithms developed to predict the effect of sequence changes on RNA splicing suggest that this variant may disrupt the consensus splice site, but this prediction has not been confirmed by published transcriptional studies. This variant has not been reported in the literature in individuals with DIS3L2-related conditions. This variant is not present in population databases (ExAC no frequency). This sequence change falls in intron 13 of the DIS3L2 gene. It does not directly change the encoded amino acid sequence of the DIS3L2 protein. It affects a nucleotide within the consensus splice site of the intron.

Literature cited by the submitters: PubMed 17576681; PubMed 9536098.